The following is an entry in ClinVar:

NM_001723.7(DST):c.7660C>T (p.Arg2554Ter)

Gene: DST (dystonin; minus strand). Cytogenetic location: 6p12.1.
Variant type: single nucleotide variant.
Coding change: c.7660C>T on transcript NM_001723.7 (MANE Plus Clinical); coding-DNA position 7660, C replaced by T.
Protein change: p.Arg2554Ter; replaces arginine 2554 with a stop codon.
Molecular consequence: nonsense. On other transcripts: intron variant (10).
Genome position (GRCh38, 1-based): chr6:56,615,807, G>A on the plus strand (C>T on the coding strand, the complement: DST is on the minus strand). VCF-style: chr6-56615807-G-A. GRCh37 (hg19) VCF-style: chr6-56480605-G-A.
Other names: c.4831-1323C>T (NM_001144769.5); c.4930-1323C>T (NM_001374722.1, NM_001374736.1); c.4957-1323C>T (NM_001374734.1); c.4417-1323C>T (NM_001144770.2); c.4297-1323C>T (NM_001374730.1, NM_001386100.1, NM_183380.4 and 1 more transcripts); c.3319-1323C>T (NM_015548.5); short protein forms R2554*.
Identifiers: ClinVar variation 569499 (VCV000569499.11), dbSNP rs200358436, ClinGen allele CA3869915.

ClinVar aggregate classification (germline): Uncertain significance. Review status: criteria provided, single submitter (1 of 4 stars). 2 submissions from 2 submitters: Uncertain significance (1). 1 of the submissions does not count toward it. Last evaluated 2026-01-26.

Conditions:
Hereditary sensory and autonomic neuropathy type 6. Also called: Neuropathy, hereditary sensory and autonomic, type VI; HSAN VI. Identifiers: Orphanet 314381, MedGen C3539003, MONDO:0013839, OMIM 614653.
Epidermolysis bullosa simplex 3, localized or generalized intermediate, with BP230 deficiency (EBS3). Also called: Epidermolysis bullosa simplex due to BP230 deficiency; Epidermolysis bullosa simplex, autosomal recessive 2. Identifiers: Orphanet 412181, MedGen C3809470, MONDO:0014180, OMIM 615425.
DST-related disorder. Also called: DST-related disorders; DST-related condition.

Allele frequency attached by ClinVar (database versions not stated): ExAC 0.00002; gnomAD 0.00002; gnomAD exomes 0.00002; TOPMed 0.00003; ESP Exome Variant Server 0.00008.
gnomAD v4.1: 79 of 1,613,832 alleles (0.0049%); highest among the groups gnomAD compares: Non-Finnish European, 0.0062%; no homozygotes.

Submissions (2):

Labcorp Genetics (formerly Invitae), Labcorp
Classification: Uncertain significance for Epidermolysis bullosa simplex 3, localized or generalized intermediate, with BP230 deficiency; Hereditary sensory and autonomic neuropathy type 6. Last evaluated: 2026-01-26. Review status: criteria provided, single submitter. Criteria: Invitae Variant Classification Sherloc (09022015). Collection method: clinical testing. Allele origin: germline.
Comment: This sequence change creates a premature translational stop signal (p.Arg2554*) in the DST gene. While this is not anticipated to result in nonsense mediated decay, it is expected to disrupt the last 96 amino acid(s) of the DST protein. This variant is present in population databases (rs200358436, gnomAD 0.004%). This variant has not been reported in the literature in individuals affected with DST-related conditions. ClinVar contains an entry for this variant (Variation ID: 569499). Experimental studies and prediction algorithms are not available or were not evaluated, and the functional significance of this variant is currently unknown. In summary, the available evidence is currently insufficient to determine the role of this variant in disease. Therefore, it has been classified as a Variant of Uncertain Significance.

PreventionGenetics, part of Exact Sciences
Classification: Uncertain significance for DST-related condition. Last evaluated: 2024-02-15. Review status: no assertion criteria provided. Collection method: clinical testing. Allele origin: germline. Not counted in ClinVar's aggregate classification.
Comment: The DST c.7660C>T variant is predicted to result in premature protein termination (p.Arg2554*). This variant is in the terminal exon of transcript NM_001723, and is located intronically in all other DST transcripts (i.e., NM_001144769.2:c.4831-1323C>T). In this terminal exon, no other early termination changes have been reported as causative downstream. To our knowledge, this variant has not been reported in the literature. This variant is reported in 0.0044% of alleles in individuals of European (Non-Finnish) descent in gnomAD. At this time, the clinical significance of this variant is uncertain due to the absence of conclusive functional and genetic evidence.